The following is an entry in ClinVar:

NM_004168.4(SDHA):c.1514G>A (p.Ser505Asn)

Gene: SDHA (succinate dehydrogenase complex flavoprotein subunit A; plus strand). Cytogenetic location: 5p15.33.
Variant type: single nucleotide variant.
Coding change: c.1514G>A on transcript NM_004168.4 (MANE Select); coding-DNA position 1514, G replaced by A.
Protein change: p.Ser505Asn; replaces serine 505 with asparagine.
Molecular consequence: missense variant.
Genome position (GRCh38, 1-based): chr5:240,439, G>A. VCF-style: chr5-240439-G-A. GRCh37 (hg19) VCF-style: chr5-240554-G-A.
Other names: c.1370G>A, p.Ser457Asn (NM_001294332.2); c.1514G>A, p.Ser505Asn (NM_001330758.2); short protein forms S505N, S457N.
Identifiers: ClinVar variation 412382 (VCV000412382.18), dbSNP rs1060503722, ClinGen allele CA16611974.

ClinVar aggregate classification (germline): Uncertain significance. Review status: criteria provided, multiple submitters, no conflicts (2 of 4 stars). 2 submissions from 2 submitters: Uncertain significance (2). Last evaluated 2024-08-19.

Conditions:
Mitochondrial complex II deficiency, nuclear type 1. Also called: SUCCINATE CoQ REDUCTASE DEFICIENCY. Identifiers: Orphanet 3208, MedGen C5700310, MONDO:0100294, OMIM 252011.
Pheochromocytoma/paraganglioma syndrome 5. Also called: SDHA-Related Hereditary Paraganglioma-Pheochromocytoma Syndrome; Paragangliomas 5. Identifiers: Orphanet 29072, MedGen C3279992, MONDO:0013602, OMIM 614165.
Hereditary cancer-predisposing syndrome. Also called: Neoplastic Syndromes, Hereditary; Hereditary Cancer Syndrome; Tumor predisposition; Hereditary neoplastic syndrome. Identifiers: Orphanet 140162, MedGen C0027672, MeSH D009386, MONDO:0015356.

Submissions (2):

Labcorp Genetics (formerly Invitae), Labcorp
Classification: Uncertain significance for Pheochromocytoma/paraganglioma syndrome 5; Mitochondrial complex II deficiency, nuclear type 1. Last evaluated: 2024-08-19. Review status: criteria provided, single submitter. Criteria: Invitae Variant Classification Sherloc (09022015). Collection method: clinical testing. Allele origin: germline.
Comment: This sequence change replaces serine, which is neutral and polar, with asparagine, which is neutral and polar, at codon 505 of the SDHA protein (p.Ser505Asn). This variant is not present in population databases (gnomAD no frequency). This variant has not been reported in the literature in individuals affected with SDHA-related conditions. ClinVar contains an entry for this variant (Variation ID: 412382). Invitae Evidence Modeling of protein sequence and biophysical properties (such as structural, functional, and spatial information, amino acid conservation, physicochemical variation, residue mobility, and thermodynamic stability) indicates that this missense variant is not expected to disrupt SDHA protein function with a negative predictive value of 95%. In summary, the available evidence is currently insufficient to determine the role of this variant in disease. Therefore, it has been classified as a Variant of Uncertain Significance.

Ambry Genetics
Classification: Uncertain significance for Hereditary cancer-predisposing syndrome. Last evaluated: 2021-01-19. Review status: criteria provided, single submitter. Criteria: Ambry Variant Classification Scheme 2023. Collection method: clinical testing. Allele origin: germline.
Comment: The p.S505N variant (also known as c.1514G>A), located in coding exon 11 of the SDHA gene, results from a G to A substitution at nucleotide position 1514. The serine at codon 505 is replaced by asparagine, an amino acid with highly similar properties. This amino acid position is not well conserved in available vertebrate species. In addition, this alteration is predicted to be tolerated by in silico analysis. Since supporting evidence is limited at this time, the clinical significance of this alteration remains unclear.